The following is an entry in ClinVar:

NM_006019.4(TCIRG1):c.472C>G (p.Pro158Ala)

Gene: TCIRG1 (T cell immune regulator 1, ATPase H+ transporting V0 subunit a3; plus strand). Cytogenetic location: 11q13.2.
Variant type: single nucleotide variant.
Coding change: c.472C>G on transcript NM_006019.4 (MANE Select); coding-DNA position 472, C replaced by G.
Protein change: p.Pro158Ala; replaces proline 158 with alanine.
Molecular consequence: missense variant. On other transcripts: 5 prime UTR variant (2).
Genome position (GRCh38, 1-based): chr11:68,043,000, C>G. VCF-style: chr11-68043000-C-G. GRCh37 (hg19) VCF-style: chr11-67810467-C-G.
Other names: c.-778C>G (NM_001351059.2); c.-516C>G (NM_006053.4); short protein forms P158A.
Identifiers: ClinVar variation 1942834 (VCV001942834.3), dbSNP rs751546005, ClinGen allele CA6146727.

ClinVar aggregate classification (germline): Uncertain significance (1 of 4 stars; one submission).

Allele frequency attached by ClinVar (database versions not stated): gnomAD exomes below 0.00001; gnomAD 0.00001; TOPMed 0.00002.
gnomAD v4.1: 7 of 1,552,614 alleles (0.00045%); highest among the groups gnomAD compares: Non-Finnish European, 0.00061%; no homozygotes.

Submission:

Labcorp Genetics (formerly Invitae), Labcorp
Classification: Uncertain significance. Last evaluated: 2026-01-27. Review status: criteria provided, single submitter. Criteria: Invitae Variant Classification Sherloc (09022015). Collection method: clinical testing. Allele origin: germline.
Comment: This sequence change replaces proline, which is neutral and non-polar, with alanine, which is neutral and non-polar, at codon 158 of the TCIRG1 protein (p.Pro158Ala). This variant is present in population databases (rs751546005, gnomAD 0.001%). This variant has not been reported in the literature in individuals affected with TCIRG1-related conditions. ClinVar contains an entry for this variant (Variation ID: 1942834). Invitae Evidence Modeling of protein sequence and biophysical properties (such as structural, functional, and spatial information, amino acid conservation, physicochemical variation, residue mobility, and thermodynamic stability) indicates that this missense variant is not expected to disrupt TCIRG1 protein function with a negative predictive value of 80%. In summary, the available evidence is currently insufficient to determine the role of this variant in disease. Therefore, it has been classified as a Variant of Uncertain Significance.